The following is an entry in ClinVar:

NM_014915.3(ANKRD26):c.1171A>T (p.Thr391Ser)

Gene: ANKRD26 (ankyrin repeat domain 26; minus strand). Cytogenetic location: 10p12.1.
Variant type: single nucleotide variant.
Coding change: c.1171A>T on transcript NM_014915.3 (MANE Select); coding-DNA position 1171, A replaced by T.
Protein change: p.Thr391Ser; replaces threonine 391 with serine.
Molecular consequence: missense variant.
Genome position (GRCh38, 1-based): chr10:27,067,193, T>A on the plus strand (A>T on the coding strand, the complement: ANKRD26 is on the minus strand). VCF-style: chr10-27067193-T-A. GRCh37 (hg19) VCF-style: chr10-27356122-T-A.
Other names: c.1171A>T, p.Thr391Ser (NM_001256053.2); short protein forms T391S.
Identifiers: ClinVar variation 2571914 (VCV002571914.4), dbSNP rs540411793, ClinGen allele CA5448672.

ClinVar aggregate classification (germline): Uncertain significance. Review status: criteria provided, multiple submitters, no conflicts (2 of 4 stars). 3 submissions from 3 submitters: Uncertain significance (3). Last evaluated 2025-01-23.

Conditions:
Inborn genetic diseases. Identifiers: MedGen C0950123, MeSH D030342.

Allele frequency attached by ClinVar (database versions not stated): gnomAD exomes below 0.00001; gnomAD 0.00001; ExAC 0.00002; 1000 Genomes Project 30x 0.00016; 1000 Genomes Project 0.00020.
gnomAD v4.1: 3 of 1,613,816 alleles (0.00019%); highest among the groups gnomAD compares: African/African-American, 0.004%; no homozygotes.

Submissions (3):

Ambry Genetics
Classification: Uncertain significance for Inborn genetic diseases. Last evaluated: 2025-01-23. Review status: criteria provided, single submitter. Criteria: Ambry Variant Classification Scheme 2023. Collection method: clinical testing. Allele origin: germline.
Comment: The p.T391S variant (also known as c.1171A>T), located in coding exon 10 of the ANKRD26 gene, results from an A to T substitution at nucleotide position 1171. The threonine at codon 391 is replaced by serine, an amino acid with similar properties. This amino acid position is conserved. In addition, this alteration is predicted to be tolerated by in silico analysis. Based on the available evidence, the clinical significance of this variant remains unclear.

Labcorp Genetics (formerly Invitae), Labcorp
Classification: Uncertain significance. Last evaluated: 2024-01-25. Review status: criteria provided, single submitter. Criteria: Invitae Variant Classification Sherloc (09022015). Collection method: clinical testing. Allele origin: germline.
Comment: This sequence change replaces threonine, which is neutral and polar, with serine, which is neutral and polar, at codon 391 of the ANKRD26 protein (p.Thr391Ser). This variant is present in population databases (rs540411793, gnomAD 0.01%). This variant has not been reported in the literature in individuals affected with ANKRD26-related conditions. ClinVar contains an entry for this variant (Variation ID: 2571914). Algorithms developed to predict the effect of missense changes on protein structure and function output the following: SIFT: "Not Available"; PolyPhen-2: "Benign"; Align-GVGD: "Not Available". The serine amino acid residue is found in multiple mammalian species, which suggests that this missense change does not adversely affect protein function. In summary, the available evidence is currently insufficient to determine the role of this variant in disease. Therefore, it has been classified as a Variant of Uncertain Significance.

GeneDx
Classification: Uncertain significance. Last evaluated: 2023-01-06. Review status: criteria provided, single submitter. Criteria: GeneDx Variant Classification Process June 2021. Collection method: clinical testing. Allele origin: germline. Affected: yes.
Comment: Not observed at significant frequency in large population cohorts (gnomAD); In silico analysis supports that this missense variant does not alter protein structure/function; Has not been previously published as pathogenic or benign to our knowledge